The following is an entry in ClinVar:

ClinVar aggregate classification (germline): Likely benign. Review status: criteria provided, multiple submitters, no conflicts (2 of 4 stars). 5 submissions from 5 submitters: Likely benign (5). Last evaluated 2025-01-20.

Conditions:
Hereditary breast ovarian cancer syndrome. Also called: Breast and ovarian cancer; Hereditary breast and/or ovarian cancer syndrome; BRCA1- and BRCA2-Associated Hereditary Breast and Ovarian Cancer; Hereditary breast and ovarian cancer syndrome; Hereditary breast and ovarian cancer syndrome (HBOC); Hereditary breast and ovarian cancer. Identifiers: Orphanet 145, MedGen C0677776, MeSH D061325, MONDO:0003582. Disease mechanism: loss of function.
Breast-ovarian cancer, familial, susceptibility to, 1 (BROVCA1). Also called: BRCA1 Hereditary Breast and Ovarian Cancer; OVARIAN CANCER, SUSCEPTIBILITY TO. Identifiers: Orphanet 145, MedGen C2676676, MONDO:0011450, OMIM 604370. Disease mechanism: loss of function.
Hereditary cancer-predisposing syndrome. Also called: Tumor predisposition; Hereditary Cancer Syndrome; Hereditary neoplastic syndrome; Neoplastic Syndromes, Hereditary. Identifiers: Orphanet 140162, MedGen C0027672, MeSH D009386, MONDO:0015356.

Allele frequency attached by ClinVar (database versions not stated): gnomAD exomes below 0.00001.
gnomAD v4.1: 1 of 1,613,712 alleles (0.000062%); highest among the groups gnomAD compares: Non-Finnish European, 0.000085%; no homozygotes.

Submissions (5):

Labcorp Genetics (formerly Invitae), Labcorp
Classification: Likely benign for Hereditary breast ovarian cancer syndrome. Last evaluated: 2025-01-20. Review status: criteria provided, single submitter. Criteria: Invitae Variant Classification Sherloc (09022015). Collection method: clinical testing. Allele origin: germline.

All of Us Research Program, National Institutes of Health
Classification: Likely benign for Breast-ovarian cancer, familial, susceptibility to, 1. Last evaluated: 2023-12-13. Review status: criteria provided, single submitter. Criteria: ACMG Guidelines, 2015. Collection method: clinical testing. Allele origin: germline. Inheritance: Autosomal dominant inheritance. Observed: 1 variant allele, 1 heterozygote.
Comment: This study involves interpretation of variants in research participants for the purpose of population health screening. Participant phenotype was not available at the time of variant classification. Additional details can be found in publication PMID: 35346344, PMCID: PMC8962531

GeneDx
Classification: Likely benign. Last evaluated: 2020-11-30. Review status: criteria provided, single submitter. Criteria: GeneDx Variant Classification Process June 2021. Collection method: clinical testing. Allele origin: germline. Affected: yes.

Color Diagnostics, LLC DBA Color Health
Classification: Likely benign for Hereditary cancer-predisposing syndrome. Last evaluated: 2018-08-21. Review status: criteria provided, single submitter. Criteria: ACMG Guidelines, 2015. Collection method: clinical testing. Allele origin: germline.

Ambry Genetics
Classification: Likely benign for Hereditary cancer-predisposing syndrome. Last evaluated: 2016-11-16. Review status: criteria provided, single submitter. Criteria: Ambry Variant Classification Scheme 2023. Collection method: clinical testing. Allele origin: germline.

NM_007294.4(BRCA1):c.3165C>T (p.Gly1055=)

Gene: BRCA1 (BRCA1 DNA repair associated; minus strand). Cytogenetic location: 17q21.31.
Variant type: single nucleotide variant.
Coding change: c.3165C>T on transcript NM_007294.4 (MANE Select); coding-DNA position 3165, C replaced by T.
Protein change: p.Gly1055=; no amino-acid change (glycine 1055 retained).
Molecular consequence: synonymous variant. On other transcripts: intron variant (137).
Genome position (GRCh38, 1-based): chr17:43,092,366, G>A on the plus strand (C>T on the coding strand, the complement: BRCA1 is on the minus strand). VCF-style: chr17-43092366-G-A. GRCh37 (hg19) VCF-style: chr17-41244383-G-A.
Other names: c.2898C>T, p.Gly966= (NM_001407932.1, NM_001407934.1, NM_001407936.1 and 2 more transcripts); c.2901C>T, p.Gly967= (NM_001407933.1, NM_001407935.1, NM_001407920.1 and 9 more transcripts); c.3042C>T, p.Gly1014= (NM_001407937.1, NM_001407938.1, NM_001407939.1 and 19 more transcripts); c.3039C>T, p.Gly1013= (NM_001407940.1, NM_001407941.1, NM_001407649.1 and 11 more transcripts); c.3024C>T, p.Gly1008= (NM_001407942.1, NM_001407944.1, NM_001407945.1 and 29 more transcripts); c.3021C>T, p.Gly1007= (NM_001407943.1, NM_001407964.1, NM_001407740.1 and 20 more transcripts); c.2832C>T, p.Gly944= (NM_001407946.1, NM_001407947.1, NM_001407948.1 and 6 more transcripts); c.2829C>T, p.Gly943= (NM_001407954.1, NM_001407955.1, NM_001407956.1 and 1 more transcripts); and 41 more.
Identifiers: ClinVar variation 481426 (VCV000481426.23), dbSNP rs1399306338, ClinGen allele CA500232220.
Genomic context (GRCh38, chr17:43,092,366, plus strand): 5'-GTTTCTACCTAGTTCTGCTTGAATGTTTTCATCACTGGAACCTATTTCATTAATACTGGA[G>A]CCCACTTCATTAGTACTGGAACCTACTTCATTAATATTGCTTGAGCTGGCTTCTTTAAAA-3'
Protein context (NP_009225.1, residues 1045-1065): NEVGSSTNEV[Gly1055=]SSINEIGSSD